The following is an entry in ClinVar:

NM_020297.4(ABCC9):c.820A>G (p.Lys274Glu)

Gene: ABCC9 (ATP binding cassette subfamily C member 9; minus strand). Cytogenetic location: 12p12.1.
Variant type: single nucleotide variant.
Coding change: c.820A>G on transcript NM_020297.4 (MANE Select); coding-DNA position 820, A replaced by G.
Protein change: p.Lys274Glu; replaces lysine 274 with glutamic acid.
Molecular consequence: missense variant. On other transcripts: 5 prime UTR variant (1).
Genome position (GRCh38, 1-based): chr12:21,913,063, T>C on the plus strand (A>G on the coding strand, the complement: ABCC9 is on the minus strand). VCF-style: chr12-21913063-T-C. GRCh37 (hg19) VCF-style: chr12-22065997-T-C.
Other names: c.820A>G, p.Lys274Glu (NM_001377273.1, NM_005691.4); c.-45A>G (NM_001377274.1); short protein forms K274E.
Identifiers: ClinVar variation 2181153 (VCV002181153.4), dbSNP rs776572382, ClinGen allele CA6481791.

ClinVar aggregate classification (germline): Uncertain significance (1 of 4 stars; one submission).

Conditions:
Dilated cardiomyopathy 1O (CMD1O). Also called: CARDIOMYOPATHY, DILATED, WITH VENTRICULAR TACHYCARDIA. Identifiers: Orphanet 154, MedGen C1837839, MONDO:0012062, OMIM 608569.

Allele frequency attached by ClinVar (database versions not stated): gnomAD exomes below 0.00001; ExAC 0.00001.
gnomAD v4.1: 1 of 1,597,570 alleles (0.000063%); highest among the groups gnomAD compares: Non-Finnish European, 0.000085%; no homozygotes.

Submission:

Labcorp Genetics (formerly Invitae), Labcorp
Classification: Uncertain significance for Dilated cardiomyopathy 1O. Last evaluated: 2022-03-17. Review status: criteria provided, single submitter. Criteria: Invitae Variant Classification Sherloc (09022015). Collection method: clinical testing. Allele origin: germline.
Comment: In summary, the available evidence is currently insufficient to determine the role of this variant in disease. Therefore, it has been classified as a Variant of Uncertain Significance. Algorithms developed to predict the effect of sequence changes on RNA splicing suggest that this variant may create or strengthen a splice site. Algorithms developed to predict the effect of missense changes on protein structure and function (SIFT, PolyPhen-2, Align-GVGD) all suggest that this variant is likely to be tolerated. This variant has not been reported in the literature in individuals affected with ABCC9-related conditions. This variant is present in population databases (rs776572382, gnomAD 0.0009%). This sequence change replaces lysine, which is basic and polar, with glutamic acid, which is acidic and polar, at codon 274 of the ABCC9 protein (p.Lys274Glu).